The following is an entry in ClinVar:

ClinVar aggregate classification (germline): Uncertain significance. Review status: criteria provided, multiple submitters, no conflicts (2 of 4 stars). 4 submissions from 4 submitters: Uncertain significance (4). Last evaluated 2025-02-04.

Conditions:
Hereditary cancer-predisposing syndrome. Also called: Hereditary neoplastic syndrome; Neoplastic Syndromes, Hereditary; Tumor predisposition; Hereditary Cancer Syndrome. Identifiers: Orphanet 140162, MedGen C0027672, MeSH D009386, MONDO:0015356.
Hereditary breast ovarian cancer syndrome. Also called: Hereditary breast and ovarian cancer syndrome (HBOC); Breast and ovarian cancer; Hereditary breast and/or ovarian cancer syndrome; BRCA1- and BRCA2-Associated Hereditary Breast and Ovarian Cancer; Hereditary breast and ovarian cancer syndrome; Hereditary breast and ovarian cancer. Identifiers: Orphanet 145, MedGen C0677776, MeSH D061325, MONDO:0003582. Disease mechanism: loss of function.

Allele frequency attached by ClinVar (database versions not stated): TOPMed below 0.00001.

Submissions (4):

Ambry Genetics
Classification: Uncertain significance for Hereditary cancer-predisposing syndrome. Last evaluated: 2025-02-04. Review status: criteria provided, single submitter. Criteria: Ambry Variant Classification Scheme 2023. Collection method: clinical testing. Allele origin: germline.
Comment: The p.E1440G variant (also known as c.4319A>G), located in coding exon 11 of the BRCA1 gene, results from an A to G substitution at nucleotide position 4319. The glutamic acid at codon 1440 is replaced by glycine, an amino acid with similar properties. This variant was not reported in population based cohorts in the following databases: Database of Single Nucleotide Polymorphisms (To date, this alteration has been detected with an allele frequency of approximately 0.0007% (greater than 300000 alleles tested) in our clinical cohort. dbSNP), NHLBI Exome Sequencing Project (ESP), and 1000 Genomes Project. In the ESP, this variant was not observed in 6503 samples (13006 alleles) with coverage at this position. This amino acid position is not well conserved in available vertebrate species. In addition, this alteration is predicted to be tolerated by in silico analysis. Since supporting evidence is limited at this time, the clinical significance of this alteration remains unclear.

Labcorp Genetics (formerly Invitae), Labcorp
Classification: Uncertain significance for Hereditary breast ovarian cancer syndrome. Last evaluated: 2024-12-12. Review status: criteria provided, single submitter. Criteria: Invitae Variant Classification Sherloc (09022015). Collection method: clinical testing. Allele origin: germline.
Comment: This sequence change replaces glutamic acid, which is acidic and polar, with glycine, which is neutral and non-polar, at codon 1440 of the BRCA1 protein (p.Glu1440Gly). This variant is not present in population databases (gnomAD no frequency). This variant has not been reported in the literature in individuals affected with BRCA1-related conditions. ClinVar contains an entry for this variant (Variation ID: 185580). Invitae Evidence Modeling of protein sequence and biophysical properties (such as structural, functional, and spatial information, amino acid conservation, physicochemical variation, residue mobility, and thermodynamic stability) indicates that this missense variant is not expected to disrupt BRCA1 protein function with a negative predictive value of 80%. In summary, the available evidence is currently insufficient to determine the role of this variant in disease. Therefore, it has been classified as a Variant of Uncertain Significance.

Women's Health and Genetics/Laboratory Corporation of America, LabCorp
Classification: Uncertain significance. Last evaluated: 2022-08-14. Review status: criteria provided, single submitter. Criteria: LabCorp Variant Classification Summary - May 2015. Collection method: clinical testing. Allele origin: germline.

GeneDx
Classification: Uncertain significance. Last evaluated: 2016-02-12. Review status: criteria provided, single submitter. Criteria: GeneDx Variant Classification (06012015). Collection method: clinical testing. Allele origin: germline. Affected: yes.
Comment: This variant is denoted BRCA1 c.4319A>G at the cDNA level, p.Glu1440Gly (E1440G) at the protein level, and results in the change of a Glutamic Acid to a Glycine (GAG>GGG). Using alternate nomenclature, this variant would be defined as BRCA1 4438A>G. This variant has not, to our knowledge, been published in the literature as pathogenic or benign. BRCA1 Glu1440Gly was not observed in approximately 6,500 individuals of European and African American ancestry in the NHLBI Exome Sequencing Project, suggesting it is not a common benign variant in these populations. Since Glutamic Acid and Glycine differ in polarity, charge, size or other properties, this is considered a non-conservative amino acid substitution. BRCA1 Glu1440Gly occurs at a position that is not conserved and is located in a region known to interact with multiple proteins (Paul 2014). In silico analyses are inconsistent regarding the effect this variant may have on protein structure and function. Based on currently available evidence, it is unclear whether BRCA1 Glu1440Gly is a pathogenic or benign variant. We consider it to be a variant of uncertain significance.

NM_007294.4(BRCA1):c.4319A>G (p.Glu1440Gly)

Gene: BRCA1 (BRCA1 DNA repair associated; minus strand). Cytogenetic location: 17q21.31.
Variant type: single nucleotide variant.
Coding change: c.4319A>G on transcript NM_007294.4 (MANE Select); coding-DNA position 4319, A replaced by G.
Protein change: p.Glu1440Gly; replaces glutamic acid 1440 with glycine.
Molecular consequence: missense variant. On other transcripts: non-coding transcript variant (1).
Genome position (GRCh38, 1-based): chr17:43,082,442, T>C on the plus strand (A>G on the coding strand, the complement: BRCA1 is on the minus strand). VCF-style: chr17-43082442-T-C. GRCh37 (hg19) VCF-style: chr17-41234459-T-C.
Other names: c.4106A>G, p.Glu1369Gly (NM_001407571.1, NM_001407853.1, NM_001407894.1 and 12 more transcripts); c.4319A>G, p.Glu1440Gly (NM_001407581.1, NM_001407582.1, NM_001407583.1 and 23 more transcripts); c.4316A>G, p.Glu1439Gly (NM_001407587.1, NM_001407590.1, NM_001407591.1 and 21 more transcripts); c.4313A>G, p.Glu1438Gly (NM_001407627.1, NM_001407628.1, NM_001407629.1 and 5 more transcripts); c.4307A>G, p.Glu1436Gly (NM_001407646.1, NM_001407647.1); c.4196A>G, p.Glu1399Gly (NM_001407648.1, NM_001407664.1, NM_001407665.1 and 13 more transcripts); c.4193A>G, p.Glu1398Gly (NM_001407649.1, NM_001407670.1, NM_001407671.1 and 12 more transcripts); c.4241A>G, p.Glu1414Gly (NM_001407653.1, NM_001407654.1, NM_001407655.1 and 2 more transcripts); and 51 more; short protein forms E1440G, E1393G, E337G, E1327G, E1370G, E1373G, E1399G, E1414G.
Identifiers: ClinVar variation 185580 (VCV000185580.22), dbSNP rs786202288, ClinGen allele CA002765.
Genomic context (GRCh38, chr17:43,082,442, plus strand): 5'-GTGTTTGGCCAACAATACACACCTTTTTCTGATGTGCTTTGTTCTGGATTTCGCAGGTCC[T>C]CAAGGGCAGAAGAGTCACTTATGATGGAAGGGTAGCTGTTAGAAGGCTGGCTCCCATGCT-3'
Protein context (NP_009225.1, residues 1430-1450): PSIISDSSAL[Glu1440Gly]DLRNPEQSTS